The following is an entry in ClinVar:

NM_000218.3(KCNQ1):c.1393+32104G>T

Genes: KCNQ1 (potassium voltage-gated channel subfamily Q member 1; plus strand), KCNQ1OT1 (KCNQ1 opposite strand/antisense transcript 1; minus strand). Cytogenetic location: 11p15.5.
Variant type: single nucleotide variant.
Coding change: c.1393+32104G>T on transcript NM_000218.3 (MANE Select); 32104 bases into the intron after coding-DNA position 1393, G replaced by T.
Molecular consequence: intron variant. On other transcripts: non-coding transcript variant (1).
Genome position (GRCh38, 1-based): chr11:2,620,958, G>T. VCF-style: chr11-2620958-G-T. GRCh37 (hg19) VCF-style: chr11-2642188-G-T.
Other names: c.1123+32104G>T (NM_001406837.1); c.1297+32104G>T (NM_001406836.1); c.853+32104G>T (NM_001406838.1); c.1012+32104G>T (NM_181798.2).
Identifiers: ClinVar variation 4084902 (VCV004084902.8).

ClinVar aggregate classification (germline): Likely benign (1 of 4 stars; one submission).

Submission:

CeGaT Center for Human Genetics Tuebingen
Classification: Likely benign. Last evaluated: 2025-08-01. Review status: criteria provided, single submitter. Criteria: CeGaT Center For Human Genetics Tuebingen Variant Classification Criteria Version 2. Collection method: clinical testing. Allele origin: germline. Affected: yes. Observed: 1 variant allele.
Comment: KCNQ1OT1: BS2